The following is an entry in ClinVar:

ClinVar aggregate classification (germline): Uncertain significance. Review status: criteria provided, multiple submitters, no conflicts (2 of 4 stars). 2 submissions from 2 submitters: Uncertain significance (2). Last evaluated 2026-04-20.

Conditions:
Cardiovascular phenotype. Identifiers: MedGen CN230736.

Allele frequency attached by ClinVar (database versions not stated): TOPMed 0.00001.
gnomAD v4.1: 4 of 1,613,672 alleles (0.00025%); highest among the groups gnomAD compares: Non-Finnish European, 0.00025%; no homozygotes.

Submissions (2):

Women's Health and Genetics/Laboratory Corporation of America, LabCorp
Classification: Uncertain significance. Last evaluated: 2026-04-20. Review status: criteria provided, single submitter. Criteria: LabCorp Variant Classification Summary - May 2015. Collection method: clinical testing. Allele origin: germline.
Comment: Variant summary: TNXB c.6518G>C (p.Gly2173Ala) results in a non-conservative amino acid change in the encoded protein sequence. Algorithms developed to predict the effect of missense changes on protein structure and function are either unavailable or do not agree on the potential impact of this missense change. The variant allele was found at a frequency of 4e-06 in 247378 control chromosomes. The available data on variant occurrences in the general population are insufficient to allow any conclusion about variant significance. To our knowledge, no occurrence of c.6518G>C in individuals affected with TNXB-related conditions and no experimental evidence demonstrating its impact on protein function have been reported. ClinVar contains an entry for this variant (Variation ID: 1753988). Based on the evidence outlined above, the variant was classified as uncertain significance.

Ambry Genetics
Classification: Uncertain significance for Cardiovascular phenotype. Last evaluated: 2024-08-15. Review status: criteria provided, single submitter. Criteria: Ambry Variant Classification Scheme 2023. Collection method: clinical testing. Allele origin: germline.
Comment: The p.G2173A variant (also known as c.6518G>C), located in coding exon 17 of the TNXB gene, results from a G to C substitution at nucleotide position 6518. The glycine at codon 2173 is replaced by alanine, an amino acid with similar properties. This amino acid position is conserved. In addition, this alteration is predicted to be tolerated by in silico analysis. Since supporting evidence is limited at this time, the clinical significance of this alteration remains unclear.

NM_001365276.2(TNXB):c.6518G>C (p.Gly2173Ala)

Gene: TNXB (tenascin XB; minus strand). Cytogenetic location: 6p21.33.
Variant type: single nucleotide variant.
Coding change: c.6518G>C on transcript NM_001365276.2 (MANE Select); coding-DNA position 6518, G replaced by C.
Protein change: p.Gly2173Ala; replaces glycine 2173 with alanine.
Molecular consequence: missense variant.
Genome position (GRCh38, 1-based): chr6:32,067,687, C>G on the plus strand (G>C on the coding strand, the complement: TNXB is on the minus strand). VCF-style: chr6-32067687-C-G. GRCh37 (hg19) VCF-style: chr6-32035464-C-G.
Other names: c.6518G>C, p.Gly2173Ala (NM_019105.8); short protein forms G2173A.
Identifiers: ClinVar variation 1753988 (VCV001753988.4), dbSNP rs1331511914, ClinGen allele CA363398381.